The following is an entry in ClinVar:

NM_020822.3(KCNT1):c.1104G>A (p.Ala368=)

Gene: KCNT1 (potassium sodium-activated channel subfamily T member 1; plus strand). Cytogenetic location: 9q34.3.
Variant type: single nucleotide variant.
Coding change: c.1104G>A on transcript NM_020822.3 (MANE Select); coding-DNA position 1104, G replaced by A.
Protein change: p.Ala368=; no amino-acid change (alanine 368 retained).
Molecular consequence: synonymous variant.
Genome position (GRCh38, 1-based): chr9:135,765,099, G>A. VCF-style: chr9-135765099-G-A. GRCh37 (hg19) VCF-style: chr9-138656945-G-A.
Other names: c.969G>A, p.Ala323= (NM_001272003.2).
Identifiers: ClinVar variation 194112 (VCV000194112.27), dbSNP rs146032445, ClinGen allele CA200963.
Genomic context (GRCh38, chr9:135,765,099, plus strand): 5'-GCTCGTCTACCTCTGGATGGAGCGGCAGAAGTCAGGGGGCAACTACAGCCGCCACCGTGC[G>A]CAGACGGAGAAGCACGTGGTCCTGTGTGTCAGCTCCCTCAAGATCGACCTTCTCATGGAC-3'
Protein context (NP_065873.2, residues 358-378): KSGGNYSRHR[Ala368=]QTEKHVVLCV

ClinVar aggregate classification (germline): Benign/Likely benign. Review status: criteria provided, multiple submitters, no conflicts (2 of 4 stars). 9 submissions from 8 submitters: Benign (3); Likely benign (5). 1 of the submissions does not count toward it. Last evaluated 2026-01-28.

Conditions:
KCNT1-related disorder. Also called: KCNT1-related condition.
Inborn genetic diseases. Identifiers: MedGen C0950123, MeSH D030342.
Developmental and epileptic encephalopathy, 14 (DEE14). Also called: Early infantile epileptic encephalopathy 14. Identifiers: Orphanet 293181, MedGen C3554195, MONDO:0013989, OMIM 614959.
Autosomal dominant nocturnal frontal lobe epilepsy 5. Also called: CILIARY DYSKINESIA, PRIMARY, 28, WITHOUT SITUS INVERSUS; CILIARY DYSKINESIA, PRIMARY, 28, WITH SITUS INVERSUS; KCNT1-Related Epilepsy; Epilepsy, nocturnal frontal lobe, 5. Identifiers: Orphanet 98784, MedGen C3554306, MONDO:0014002, OMIM 615005.

Allele frequency attached by ClinVar (database versions not stated): ESP Exome Variant Server 0.00015; gnomAD 0.00027 and 0.00031; TOPMed 0.00036; ExAC 0.00044; gnomAD exomes 0.00045; 1000 Genomes Project 30x 0.00109; 1000 Genomes Project 0.00140.
gnomAD v4.1: 357 of 1,613,496 alleles (0.022%); highest among the groups gnomAD compares: East Asian, 0.2%; 1 homozygote.

Submissions (9):

Labcorp Genetics (formerly Invitae), Labcorp
Classification: Benign for Autosomal dominant nocturnal frontal lobe epilepsy 5; Developmental and epileptic encephalopathy, 14. Last evaluated: 2026-01-28. Review status: criteria provided, single submitter. Criteria: Invitae Variant Classification Sherloc (09022015). Collection method: clinical testing. Allele origin: germline.

Blueprint Genetics
Classification: Likely benign. Last evaluated: 2024-11-21. Review status: criteria provided, single submitter. Criteria: ACMG Guidelines, 2015. Collection method: clinical testing. Allele origin: germline.

ARUP Laboratories, Molecular Genetics and Genomics, ARUP Laboratories
Classification: Likely benign. Last evaluated: 2023-12-21. Review status: criteria provided, single submitter. Criteria: ARUP Molecular Germline Variant Investigation Process 2024. Collection method: clinical testing. Allele origin: germline.

Genome-Nilou Lab
Classification: Benign for Developmental and epileptic encephalopathy, 14. Last evaluated: 2022-03-15. Review status: criteria provided, single submitter. Criteria: ACMG Guidelines, 2015. Collection method: clinical testing. Allele origin: germline. Affected: no.

Genome-Nilou Lab
Classification: Benign for Autosomal dominant nocturnal frontal lobe epilepsy 5. Last evaluated: 2022-03-15. Review status: criteria provided, single submitter. Criteria: ACMG Guidelines, 2015. Collection method: clinical testing. Allele origin: germline. Affected: no.

GeneDx
Classification: Likely benign. Last evaluated: 2020-11-27. Review status: criteria provided, single submitter. Criteria: GeneDx Variant Classification Process June 2021. Collection method: clinical testing. Allele origin: germline. Affected: yes.

Ambry Genetics
Classification: Likely benign for Inborn genetic diseases. Last evaluated: 2017-07-27. Review status: criteria provided, single submitter. Criteria: Ambry Variant Classification Scheme 2023. Collection method: clinical testing. Allele origin: germline.

Eurofins Ntd Llc (ga)
Classification: Likely benign. Last evaluated: 2014-07-21. Review status: criteria provided, single submitter. Criteria: EGL Classification Definitions 2015. Collection method: clinical testing. Allele origin: germline. Observed: 1 variant allele, 1 heterozygote.

PreventionGenetics, part of Exact Sciences
Classification: Likely benign for KCNT1-related condition. Last evaluated: 2019-12-16. Review status: no assertion criteria provided. Collection method: clinical testing. Allele origin: germline. Not counted in ClinVar's aggregate classification.
Comment: This variant is classified as likely benign based on ACMG/AMP sequence variant interpretation guidelines (Richards et al. 2015 PMID: 25741868, with internal and published modifications).